The following is an entry in ClinVar:

NM_001369268.1(ACAN):c.2026+122G>A

Gene: ACAN (aggrecan; plus strand). Cytogenetic location: 15q26.1.
Variant type: single nucleotide variant.
Coding change: c.2026+122G>A on transcript NM_001369268.1 (MANE Select); 122 bases into the intron after coding-DNA position 2026, G replaced by A.
Molecular consequence: intron variant.
Genome position (GRCh38, 1-based): chr15:88,849,853, G>A. VCF-style: chr15-88849853-G-A. GRCh37 (hg19) VCF-style: chr15-89393084-G-A.
Other names: c.2026+122G>A (NM_013227.4, NM_001411097.1, NM_001411096.1 and 1 more transcripts).
Identifiers: ClinVar variation 2672595 (VCV002672595.23), dbSNP rs1401538383, ClinGen allele CA619856820.
Genomic context (GRCh38, chr15:88,849,853, plus strand): 5'-ACCGGATCCTGCCACCACCCAGTATCCCATCCATCAGAGCAAGAAAATGTCAGTCCCTCT[G>A]GGGCAGAGCCAGCTCTGAAACCAGCACAACGCAGGCTTTGACCCCAAGGCAAGGTCATCC-3'

ClinVar aggregate classification (germline): Likely benign (1 of 4 stars; one submission).

Allele frequency attached by ClinVar (database versions not stated): gnomAD 0.00001; TOPMed 0.00001.
gnomAD v4.1: 32 of 1,383,120 alleles (0.0023%); highest among the groups gnomAD compares: African/African-American, 0.0029%; no homozygotes.

Submission:

CeGaT Center for Human Genetics Tuebingen
Classification: Likely benign. Last evaluated: 2023-11-01. Review status: criteria provided, single submitter. Criteria: CeGaT Center For Human Genetics Tuebingen Variant Classification Criteria Version 2. Collection method: clinical testing. Allele origin: germline. Affected: yes. Observed: 1 variant allele.
Comment: ACAN: BP4, BP7